The following is an entry in ClinVar:

NM_002098.6(GUCA1B):c.511C>T (p.Arg171Cys)

Gene: GUCA1B (guanylate cyclase activator 1B; minus strand). Cytogenetic location: 6p21.1.
Variant type: single nucleotide variant.
Coding change: c.511C>T on transcript NM_002098.6 (MANE Select); coding-DNA position 511, C replaced by T.
Protein change: p.Arg171Cys; replaces arginine 171 with cysteine.
Molecular consequence: missense variant.
Genome position (GRCh38, 1-based): chr6:42,184,907, G>A on the plus strand (C>T on the coding strand, the complement: GUCA1B is on the minus strand). VCF-style: chr6-42184907-G-A. GRCh37 (hg19) VCF-style: chr6-42152645-G-A.
Other names: short protein forms R171C.
Identifiers: ClinVar variation 960312 (VCV000960312.8), dbSNP rs370510441, ClinGen allele CA3805510.
Genomic context (GRCh38, chr6:42,184,907, plus strand): 5'-CGAGCCAGCTGCTGGGATTCATGTCCATCTGCAGCATCTTCATCACCCACTTGTCCCGAC[G>A]GGCACCTTCAACAAACTCGTTCAGAGACAGCTGGCCTGAGCAAGGGGGAGGAGAGGTGGT-3'
Protein context (NP_002089.4, residues 161-181): LSLNEFVEGA[Arg171Cys]RDKWVMKMLQ

ClinVar aggregate classification (germline): Uncertain significance. Review status: criteria provided, multiple submitters, no conflicts (2 of 4 stars). 2 submissions from 2 submitters: Uncertain significance (2). Last evaluated 2025-10-21.

Allele frequency attached by ClinVar (database versions not stated): gnomAD exomes 0.00006 and 0.00012; ExAC 0.00007; ESP Exome Variant Server 0.00008; gnomAD 0.00008 and 0.00011; TOPMed 0.00008.
gnomAD v4.1: 183 of 1,613,916 alleles (0.011%); highest among the groups gnomAD compares: African/African-American, 0.027%; no homozygotes.

Submissions (2):

Labcorp Genetics (formerly Invitae), Labcorp
Classification: Uncertain significance. Last evaluated: 2025-10-21. Review status: criteria provided, single submitter. Criteria: Invitae Variant Classification Sherloc (09022015). Collection method: clinical testing. Allele origin: germline.
Comment: This sequence change replaces arginine, which is basic and polar, with cysteine, which is neutral and slightly polar, at codon 171 of the GUCA1B protein (p.Arg171Cys). This variant is present in population databases (rs370510441, gnomAD 0.03%). This variant has not been reported in the literature in individuals affected with GUCA1B-related conditions. ClinVar contains an entry for this variant (Variation ID: 960312). An algorithm developed to predict the effect of missense changes on protein structure and function (PolyPhen-2) suggests that this variant is likely to be disruptive. In summary, the available evidence is currently insufficient to determine the role of this variant in disease. Therefore, it has been classified as a Variant of Uncertain Significance.

Ambry Genetics
Classification: Uncertain significance. Last evaluated: 2024-07-07. Review status: criteria provided, single submitter. Criteria: Ambry Variant Classification Scheme 2023. Collection method: clinical testing. Allele origin: germline.